The following is an entry in ClinVar:

NM_006005.3(WFS1):c.234G>C (p.Gly78=)

Gene: WFS1 (wolframin ER transmembrane glycoprotein; plus strand). Cytogenetic location: 4p16.1.
Variant type: single nucleotide variant.
Coding change: c.234G>C on transcript NM_006005.3 (MANE Select); coding-DNA position 234, G replaced by C.
Protein change: p.Gly78=; no amino-acid change (glycine 78 retained).
Molecular consequence: synonymous variant.
Genome position (GRCh38, 1-based): chr4:6,287,094, G>C. VCF-style: chr4-6287094-G-C. GRCh37 (hg19) VCF-style: chr4-6288821-G-C.
Other names: c.234G>C, p.Gly78= (NM_001145853.1).
Identifiers: ClinVar variation 761635 (VCV000761635.7), dbSNP rs1205134261, ClinGen allele CA438210683.

ClinVar aggregate classification (germline): Benign/Likely benign. Review status: criteria provided, multiple submitters, no conflicts (2 of 4 stars). 2 submissions from 2 submitters: Benign (1); Likely benign (1). Last evaluated 2024-10-24.

Conditions:
Wolfram syndrome 1 (WFS1). Identifiers: Orphanet 3463, MedGen C4551693, MONDO:0009101, OMIM 222300.

Allele frequency attached by ClinVar (database versions not stated): gnomAD 0.00001; TOPMed 0.00001.
gnomAD v4.1: 1 of 1,555,850 alleles (0.000064%); highest among the groups gnomAD compares: Non-Finnish European, 0.000087%; no homozygotes.

Submissions (2):

Labcorp Genetics (formerly Invitae), Labcorp
Classification: Likely benign. Last evaluated: 2024-10-24. Review status: criteria provided, single submitter. Criteria: Invitae Variant Classification Sherloc (09022015). Collection method: clinical testing. Allele origin: germline.

Clinical Genomics, Uppaluri K&H Personalized Medicine Clinic
Classification: Benign for Wolfram syndrome 1. Review status: criteria provided, single submitter. Criteria: K & H Uppaluri Personalized Medicine Clinic Variant Classification & Assertion Criteria_Updated V.1. Collection method: research. Allele origin: unknown. Inheritance: Autosomal recessive inheritance.
Comment: Potent mutations in WFS1 gene are associated with Wolfram's syndrome, an autosomal recessive condition, which cause diabetes mellitus, diabetes insipidus, deafness and optic atrophy. However no sufficient evidence is found to ascertain the role of this particular variant rs1205134261 in Wolfram's syndrome yet.

Literature cited by the submitters: PubMed 20738327 (cited by Clinical Genomics, Uppaluri K&H Personalized Medicine Clinic); PubMed 33879153 (cited by Clinical Genomics, Uppaluri K&H Personalized Medicine Clinic); PubMed 12955714 (cited by Clinical Genomics, Uppaluri K&H Personalized Medicine Clinic); PubMed 18060660 (cited by Clinical Genomics, Uppaluri K&H Personalized Medicine Clinic); PubMed 20301750 (cited by Clinical Genomics, Uppaluri K&H Personalized Medicine Clinic); PubMed 17603484 (cited by Clinical Genomics, Uppaluri K&H Personalized Medicine Clinic).